The following is an entry in ClinVar:

NM_020911.2(PLXNA4):c.4708A>G (p.Ile1570Val)

Gene: PLXNA4 (plexin A4; minus strand). Cytogenetic location: 7q32.3.
Variant type: single nucleotide variant.
Coding change: c.4708A>G on transcript NM_020911.2 (MANE Select); coding-DNA position 4708, A replaced by G.
Protein change: p.Ile1570Val; replaces isoleucine 1570 with valine.
Molecular consequence: missense variant.
Genome position (GRCh38, 1-based): chr7:132,148,599, T>C on the plus strand (A>G on the coding strand, the complement: PLXNA4 is on the minus strand). VCF-style: chr7-132148599-T-C. GRCh37 (hg19) VCF-style: chr7-131833358-T-C.
Other names: c.4708A>G, p.Ile1570Val (NM_001393897.1); short protein forms I1570V.
Identifiers: ClinVar variation 4983157 (VCV004983157.1).

ClinVar aggregate classification (germline): Uncertain significance (1 of 4 stars; one submission).

Conditions:
PLXNA4-related disorder. Also called: PLXNA4-related condition.

Submission:

PreventionGenetics, part of Exact Sciences
Classification: Uncertain significance for PLXNA4-related condition. Last evaluated: 2025-04-30. Review status: criteria provided, single submitter. Criteria: ACMG Guidelines, 2015. Collection method: clinical testing. Allele origin: germline.
Comment: The PLXNA4 c.4708A>G variant is predicted to result in the amino acid substitution p.Ile1570Val. To our knowledge, this variant has not been reported in the literature or in a large population database (gnomAD), indicating this variant is rare. At this time, the clinical significance of this variant is uncertain due to the absence of conclusive functional and genetic evidence.